The following is an entry in ClinVar:

NM_015909.4(NBAS):c.2201A>G (p.Gln734Arg)

Gene: NBAS (NBAS subunit of NRZ tethering complex; minus strand). Cytogenetic location: 2p24.3.
Variant type: single nucleotide variant.
Coding change: c.2201A>G on transcript NM_015909.4 (MANE Select); coding-DNA position 2201, A replaced by G.
Protein change: p.Gln734Arg; replaces glutamine 734 with arginine.
Molecular consequence: missense variant. On other transcripts: non-coding transcript variant (1).
Genome position (GRCh38, 1-based): chr2:15,461,688, T>C on the plus strand (A>G on the coding strand, the complement: NBAS is on the minus strand). VCF-style: chr2-15461688-T-C. GRCh37 (hg19) VCF-style: chr2-15601812-T-C.
Other names: c.2201A>G (NM_015909.3); short protein forms Q734R.
Identifiers: ClinVar variation 1358841 (VCV001358841.7), dbSNP rs780669652, ClinGen allele CA1536442.

ClinVar aggregate classification (germline): Uncertain significance. Review status: criteria provided, multiple submitters, no conflicts (2 of 4 stars). 2 submissions from 2 submitters: Uncertain significance (2). Last evaluated 2025-10-05.

Conditions:
NBAS-related disorder. Also called: NBAS-related condition.

Allele frequency attached by ClinVar (database versions not stated): gnomAD exomes below 0.00001 and 0.00003; ExAC 0.00006; TOPMed 0.00006; gnomAD 0.00008 and 0.00009.

Submissions (2):

PreventionGenetics, part of Exact Sciences
Classification: Uncertain significance for NBAS-related condition. Last evaluated: 2025-10-05. Review status: criteria provided, single submitter. Criteria: ACMG Guidelines, 2015. Collection method: clinical testing. Allele origin: germline.
Comment: The NBAS c.2201A>G variant is predicted to result in the amino acid substitution p.Gln734Arg. To our knowledge, this variant has not been reported in the literature. This variant is reported in 0.041% of alleles in individuals of African descent in gnomAD. At this time, the clinical significance of this variant is uncertain due to the absence of conclusive functional and genetic evidence.

Labcorp Genetics (formerly Invitae), Labcorp
Classification: Uncertain significance. Last evaluated: 2024-10-15. Review status: criteria provided, single submitter. Criteria: Invitae Variant Classification Sherloc (09022015). Collection method: clinical testing. Allele origin: germline.
Comment: This sequence change replaces glutamine, which is neutral and polar, with arginine, which is basic and polar, at codon 734 of the NBAS protein (p.Gln734Arg). This variant is present in population databases (rs780669652, gnomAD 0.03%). This variant has not been reported in the literature in individuals affected with NBAS-related conditions. ClinVar contains an entry for this variant (Variation ID: 1358841). Invitae Evidence Modeling of protein sequence and biophysical properties (such as structural, functional, and spatial information, amino acid conservation, physicochemical variation, residue mobility, and thermodynamic stability) indicates that this missense variant is not expected to disrupt NBAS protein function with a negative predictive value of 95%. In summary, the available evidence is currently insufficient to determine the role of this variant in disease. Therefore, it has been classified as a Variant of Uncertain Significance.